The following is an entry in ClinVar:

NM_001287491.2(TET3):c.624A>C (p.Glu208Asp)

Gene: TET3 (tet methylcytosine dioxygenase 3; plus strand). Cytogenetic location: 2p13.1.
Variant type: single nucleotide variant.
Coding change: c.624A>C on transcript NM_001287491.2 (MANE Select); coding-DNA position 624, A replaced by C.
Protein change: p.Glu208Asp; replaces glutamic acid 208 with aspartic acid.
Molecular consequence: missense variant.
Genome position (GRCh38, 1-based): chr2:74,046,541, A>C. VCF-style: chr2-74046541-A-C. GRCh37 (hg19) VCF-style: chr2-74273668-A-C.
Other names: c.345A>C, p.Glu115Asp (NM_001366022.1); short protein forms E115D, E208D.
Identifiers: ClinVar variation 4975417 (VCV004975417.1).
Genomic context (GRCh38, chr2:74,046,541, plus strand): 5'-AGCTCATACTGCTCGCCTGGAAGATGCCCACGATCTGGTGGCCTTTTCGGCTGTGGCCGA[A>C]GCTGTGTCCTCTTATGGGGCCCTTAGCACCCGGCTCTATGAAACCTTCAACCGTGAGATG-3'
Protein context (NP_001274420.1, residues 198-218): HDLVAFSAVA[Glu208Asp]AVSSYGALST

ClinVar aggregate classification (germline): Uncertain significance (1 of 4 stars; one submission).

Submission:

GeneDx
Classification: Uncertain significance. Last evaluated: 2026-01-22. Review status: criteria provided, single submitter. Criteria: GeneDx Variant Classification Process June 2021. Collection method: clinical testing. Allele origin: germline.
Comment: Not observed at significant frequency in large population cohorts (gnomAD); In silico analysis suggests that this missense variant does not alter protein structure/function; Has not been previously published as pathogenic or benign to our knowledge